The following is an entry in ClinVar:

NM_000018.4(ACADVL):c.1605+2T>C

Gene: ACADVL (acyl-CoA dehydrogenase very long chain; plus strand). Cytogenetic location: 17p13.1.
Variant type: single nucleotide variant.
Coding change: c.1605+2T>C on transcript NM_000018.4 (MANE Select); the canonical splice donor site of the intron after coding-DNA position 1605, T replaced by C.
Molecular consequence: splice donor variant.
Genome position (GRCh38, 1-based): chr17:7,224,395, T>C. VCF-style: chr17-7224395-T-C. GRCh37 (hg19) VCF-style: chr17-7127714-T-C.
Other names: c.1674+2T>C (NM_001270447.2); c.1377+2T>C (NM_001270448.2); c.1539+2T>C (NM_001033859.3).
Identifiers: ClinVar variation 656452 (VCV000656452.11), dbSNP rs1597537351, ClinGen allele CA397725473.

ClinVar aggregate classification (germline): Likely pathogenic. Review status: reviewed by expert panel (3 of 4 stars). 3 submissions from 3 submitters: Likely pathogenic (1). 2 of the submissions do not count toward it. Last evaluated 2022-09-05.

Conditions:
Very long chain acyl-CoA dehydrogenase deficiency (ACADVLD). Also called: VLCAD Deficiency; Very Long-Chain Acyl-Coenzyme A Dehydrogenase Deficiency. Identifiers: Orphanet 26793, MedGen C3887523, MONDO:0008723, OMIM 201475.

Allele frequency attached by ClinVar (database versions not stated): gnomAD exomes below 0.00001.
gnomAD v4.1: 1 of 1,613,716 alleles (0.000062%); highest among the groups gnomAD compares: Admixed American, 0.0017%; no homozygotes.

Submissions (4):

ClinGen ACADVL Variant Curation Expert Panel, ClinGen
Classification: Likely pathogenic for Very long chain acyl-CoA dehydrogenase deficiency. Last evaluated: 2022-09-05. Review status: reviewed by expert panel. Criteria: clingen acadvl acmg specifications v1. Collection method: curation. Allele origin: germline. Inheritance: Autosomal recessive inheritance.
Comment: The c.1605+2T>C (p.?) variant in ACADVL occurs within the canonical splice donor site (+2) of intron 16. It is predicted to cause skipping of biologically-relevant-exon 16/20, resulting in a frameshift leading to nonsense mediated decay in a gene in which loss-of-function is an established disease mechanism (PVS1; PMIDs 9973285, 11590124). To our knowledge, this variant has not been reported in the literature in any individuals with VLCADD. To our knowledge, functional assays have not been reported for this variant. This variant is absent from gnomAD 2.1.1 (PM2_Supporting). In summary, this variant meets the criteria to be classified as LIKELY PATHOGENIC for autosomal recessive very long chain acyl-CoA dehydrogenase (VLCAD) deficiency based on the ACMG/AMP criteria applied, as specified by the ClinGen ACADVL Variant Curation Expert Panel: PVS1, PM2_Supporting (ClinGen ACADVL VCEP specifications version#1; 09-05-2022).

Labcorp Genetics (formerly Invitae), Labcorp
Classification: Pathogenic for Very long chain acyl-CoA dehydrogenase deficiency. Last evaluated: 2024-02-16. Review status: criteria provided, single submitter. Criteria: Invitae Variant Classification Sherloc (09022015). Collection method: clinical testing. Allele origin: germline. Not counted in ClinVar's aggregate classification.
Comment: This sequence change affects a donor splice site in intron 16 of the ACADVL gene. It is expected to disrupt RNA splicing. Variants that disrupt the donor or acceptor splice site typically lead to a loss of protein function (PMID: 16199547), and loss-of-function variants in ACADVL are known to be pathogenic (PMID: 9973285, 11590124). This variant is not present in population databases (gnomAD no frequency). Disruption of this splice site has been observed in individual(s) with very long-chain acyl-CoA dehydrogenase deficiency (PMID: 24801231). ClinVar contains an entry for this variant (Variation ID: 656452). Algorithms developed to predict the effect of sequence changes on RNA splicing suggest that this variant may disrupt the consensus splice site. For these reasons, this variant has been classified as Pathogenic.

Wong Mito Lab, Molecular and Human Genetics, Baylor College of Medicine
Classification: Pathogenic for Very long chain acyl-CoA dehydrogenase deficiency. Last evaluated: 2019-11-01. Review status: criteria provided, single submitter. Criteria: ACMG Guidelines, 2015. Collection method: clinical testing. Allele origin: germline. Not counted in ClinVar's aggregate classification.
Comment: The NM_000018.3:c.1605+2T>C (NP_000009.1:p.?) [GRCH38: NC_000017.11:g.7224395T>C] variant in ACADVL gene is interpretated to be Pathogenic based on ACMG guidelines (PMID: 25741868). This variant has been reported. This variant meets the following evidence codes reported in the ACMG guidelines: PVS1, PS3

Dr. Peter K. Rogan Lab, Western University
No classification provided (evidence only). Condition: Ovarian serous cystadenocarcinoma. Review status: no classification provided. Collection method: in vitro. Allele origin: not applicable. Functional consequence: retained intron. Not counted in ClinVar's aggregate classification.

Literature cited by the submitters: PubMed 16199547 (cited by Labcorp Genetics (formerly Invitae), Labcorp); PubMed 9973285 (cited by Labcorp Genetics (formerly Invitae), Labcorp); PubMed 11590124 (cited by Labcorp Genetics (formerly Invitae), Labcorp); PubMed 24801231 (cited by Labcorp Genetics (formerly Invitae), Labcorp).